The following is an entry in ClinVar:

ClinVar aggregate classification (germline): Uncertain significance (0 of 4 stars; one submission).

Conditions:
KIAA0586-related disorder. Also called: KIAA0586-related condition; KIAA0586- Related disorders.

Submission:

PreventionGenetics, part of Exact Sciences
Classification: Uncertain significance for KIAA0586-related condition. Last evaluated: 2024-01-26. Review status: no assertion criteria provided. Collection method: clinical testing. Allele origin: germline.
Comment: The KIAA0586 c.2849G>C variant is predicted to result in the amino acid substitution p.Arg950Thr. To our knowledge, this variant has not been reported in the literature or in a large population database, indicating this variant is rare. At this time, the clinical significance of this variant is uncertain due to the absence of conclusive functional and genetic evidence.

NM_001329943.3(KIAA0586):c.2690G>C (p.Arg897Thr)

Gene: KIAA0586 (KIAA0586; plus strand). Cytogenetic location: 14q23.1.
Variant type: single nucleotide variant.
Coding change: c.2690G>C on transcript NM_001329943.3 (MANE Select); coding-DNA position 2690, G replaced by C.
Protein change: p.Arg897Thr; replaces arginine 897 with threonine.
Molecular consequence: missense variant.
Genome position (GRCh38, 1-based): chr14:58,474,662, G>C. VCF-style: chr14-58474662-G-C. GRCh37 (hg19) VCF-style: chr14-58941380-G-C.
Other names: c.2849G>C, p.Arg950Thr (NM_001244189.2); c.2645G>C, p.Arg882Thr (NM_001244190.2); c.2435G>C, p.Arg812Thr (NM_001244191.2, NM_001329945.2, NM_001364700.1 and 1 more transcripts); c.2558G>C, p.Arg853Thr (NM_001244192.2); c.2270G>C, p.Arg757Thr (NM_001244193.2); c.2690G>C, p.Arg897Thr (NM_001329944.2, NM_001329946.2, NM_001329947.2); c.2462G>C, p.Arg821Thr (NM_014749.5); short protein forms R757T, R812T, R821T, R853T, R882T, R897T, R950T.
Identifiers: ClinVar variation 3061126 (VCV003061126.2), dbSNP rs2543398579, ClinGen allele CA389877761.